The following is an entry in ClinVar:

NC_000011.9:g.(?_61719279)_(61727535_?)dup

Gene: BEST1 (bestrophin 1; plus strand). Cytogenetic location: 11q12.3.
Variant type: Duplication.
Identifiers: ClinVar variation 1436545 (VCV001436545.4).

ClinVar aggregate classification (germline): Uncertain significance (1 of 4 stars; one submission).

Submission:

Labcorp Genetics (formerly Invitae), Labcorp
Classification: Uncertain significance. Last evaluated: 2021-09-22. Review status: criteria provided, single submitter. Criteria: Invitae Variant Classification Sherloc (09022015). Collection method: clinical testing. Allele origin: germline.
Comment: In summary, the available evidence is currently insufficient to determine the role of this variant in disease. Therefore, it has been classified as a Variant of Uncertain Significance. A similar copy number variant has been observed in individual(s) with autosomal recessive bestrinopathy (Invitae). This variant results in a copy number gain of the genomic region encompassing exon(s) 2-9 of the BEST1 gene. This region includes the initiator codon of the gene. This copy number gain extends beyond the assayed region for this gene and therefore may encompass additional genes. As the precise location of this event is unknown, it may be in tandem or it may be located elsewhere in the genome.